The following is an entry in ClinVar:

ClinVar aggregate classification (germline): Pathogenic. Review status: criteria provided, multiple submitters, no conflicts (2 of 4 stars). 4 submissions from 4 submitters: Pathogenic (4). Last evaluated 2025-08-07.

Conditions:
CACNA1A-related disorder. Also called: CACNA1A-related condition.
Developmental and epileptic encephalopathy, 42 (DEE42A). Also called: DEVELOPMENTAL AND EPILEPTIC ENCEPHALOPATHY 42A; EPILEPTIC ENCEPHALOPATHY, EARLY INFANTILE, 42A; Epileptic encephalopathy, early infantile, 42. Identifiers: MedGen C4310716, MONDO:0014917, OMIM 617106.
Episodic ataxia type 2 (EA2). Also called: ATAXIA, EPISODIC, WITH NYSTAGMUS; ATAXIA, FAMILIAL PAROXYSMAL; CEREBELLAR ATAXIA, PAROXYSMAL, ACETAZOLAMIDE-RESPONSIVE; CEREBELLOPATHY, HEREDITARY PAROXYSMAL; EPISODIC ATAXIA, NYSTAGMUS-ASSOCIATED; ACETAZOLAMIDE-RESPONSIVE HEREDITARY PAROXYSMAL CEREBELLAR ATAXIA. Identifiers: Orphanet 97, MedGen C1720416, MONDO:0007163, OMIM 108500.
Migraine, familial hemiplegic, 1. Also called: MIGRAINE, FAMILIAL HEMIPLEGIC 1, WITH PROGRESSIVE CEREBELLAR ATAXIA. Identifiers: Orphanet 569, MedGen C1832884, MONDO:0020756, OMIM 141500, MONDO:0007714.

Submissions (4):

3billion
Classification: Pathogenic for CACNA1A-related disorder. Last evaluated: 2025-08-07. Review status: criteria provided, single submitter. Criteria: ACMG Guidelines, 2015. Collection method: clinical testing. Allele origin: germline. Affected: yes.
Comment: The variant is not observed in the gnomAD v4.1.0 dataset. Predicted Consequence/Location: Inframe deletion located in a nonrepeat region: predicted to change the length of the protein and disrupt normal protein function. Functional studies provide strong evidence of the variant having a damaging effect on the gene or gene product (PMID: 24836863, 26716990). The variant has been reported at least twice as pathogenic without evidence for the classification (ClinVar ID: VCV000279951 /PMID: 24836863 /3billion dataset). Therefore, this variant is classified as Pathogenic according to the recommendation of ACMG/AMP guideline.

GeneDx
Classification: Pathogenic. Last evaluated: 2025-01-09. Review status: criteria provided, single submitter. Criteria: GeneDx Variant Classification Process June 2021. Collection method: clinical testing. Allele origin: germline. Affected: yes.
Comment: Published functional studies demonstrate gain-of-function properties in the mutant Cav2.1 channel, including lowered voltage threshold for channel activation and slower deactivation kinetics (PMID: 26716990); Not observed in large population cohorts (gnomAD); In-frame deletion of 1 amino acid in a non-repeat region; This variant is associated with the following publications: (PMID: 24836863, 26716990)

Labcorp Genetics (formerly Invitae), Labcorp
Classification: Pathogenic for Developmental and epileptic encephalopathy, 42; Episodic ataxia type 2. Last evaluated: 2022-11-14. Review status: criteria provided, single submitter. Criteria: Invitae Variant Classification Sherloc (09022015). Collection method: clinical testing. Allele origin: germline.
Comment: This variant, c.4503_4505del, results in the deletion of 1 amino acid(s) of the CACNA1A protein (p.Phe1502del), but otherwise preserves the integrity of the reading frame. This variant is not present in population databases (gnomAD no frequency). This variant has been observed in individual(s) with clinical features of CACNA1A-related conditions (PMID: 24836863, 26716990). In at least one individual the variant was observed to be de novo. This variant is also known as ΔF1502. ClinVar contains an entry for this variant (Variation ID: 279951). Algorithms developed to predict the effect of variants on protein structure and function are not available or were not evaluated for this variant. Experimental studies have shown that this variant affects CACNA1A function (PMID: 24836863, 26716990). For these reasons, this variant has been classified as Pathogenic.

Institute for Genomic Statistics and Bioinformatics, University Hospital Bonn
Classification: Pathogenic for Migraine, familial hemiplegic, 1. Review status: criteria provided, single submitter. Criteria: ACMG Guidelines, 2015. Collection method: clinical testing. Allele origin: de novo. Inheritance: Autosomal dominant inheritance. Affected: yes. Observed: 1 heterozygote.
Comment: The heterozygous deletion of the 3 bases AAG at position 13368252 on chromosome 19 was covered with 190 reads and is found in 43% of the reads. Both Parents do not indicate any changes at this position (cover 97 reads at father, 74 reads by the mother), which is why a new mutation is concluded can be made. The variant leads to the deletion of the high conserved amino acid phenylalanine at position 1499 in CACNA1A. This variant is classified as pathogenic according to ACMG guidelines. Classification according to ACMG guidelines: - PS2: New mutation (another independent validation is pending). - PS3: In vitro or in vivo functional studies support the pathogenicity of the variant - PM1: The variant is in close proximity to 17 other pathogenic variants. - PM2: The variant has not been tested in any population genetic studies (such as GnomAD, Iranome, GME, 1kGP, etc.) identified. - PP3: Bioinformatic prediction programs such as GERP and Mutation Probe grade this variant as pathogenic a - PP5: In ClinVar this variant is classified as pathogenic: clinvar/RCV000403867/ The CACNA1A gene encodes the transmembrane subunit of the voltage controlled calcium channel (VGCC) of the P / Q type (CaV2.1). Voltage dependent Ca2+ channels not only mediate the entry of Ca2+ ions into excitable cells, but are also at a multitude of Ca2+-dependent processes involved, including muscle contraction, hormone- or neurotransmitter release and gene expression. This New mutation c.4500_4502delCTT; p.(Phe1499del) has already been described in two publications with two individuals with differently heavy phenotypes described: Garcia, et al. 2014; Bahamonde, et al. 2015.

Literature cited by the submitters: PubMed 26716990 (cited by 3billion and Labcorp Genetics (formerly Invitae), Labcorp); PubMed 24836863 (cited by 3billion and Labcorp Genetics (formerly Invitae), Labcorp).

NM_001127222.2(CACNA1A):c.4494CTT[2] (p.Phe1501del)

Gene: CACNA1A (calcium voltage-gated channel subunit alpha1 A; minus strand). Cytogenetic location: 19p13.13.
Variant type: Microsatellite.
Coding change: c.4494CTT[2] on transcript NM_001127222.2 (MANE Select); two copies in a row of the 3-base unit CTT starting at c.4494; the reference has three copies in a row; one copy, 3 bases deleted; also written c.4500_4502del.
Protein change: p.Phe1501del; deletes phenylalanine 1501.
Molecular consequence: inframe deletion.
Genome position (GRCh38, 1-based): chr19:13,257,438-13,257,440, AAG deleted on the plus strand (CTT on the coding strand, the reverse complement: CACNA1A is on the minus strand); deleting any 3 consecutive bases within chr19:13,257,438-13,257,446 gives the same sequence; the position shown is the placement nearest the transcript's 3' end. VCF-style (leftmost placement, unchanged base first): chr19-13257437-AAAG-A. GRCh37 (hg19) VCF-style: chr19-13368251-AAAG-A.
Other names: c.4500_4502delCTT (NM_001127222.2); c.4503_4505delCTT (NM_001127221.1); c.4506CTT[2], p.Phe1505del (NM_000068.4, NM_023035.3); c.4497CTT[2], p.Phe1502del (NM_001127221.2, NM_001174080.2); c.4500_4502del (NM_001127222.2); short protein forms F1502del, F1505del, F1501del.
Identifiers: ClinVar variation 279951 (VCV000279951.17), dbSNP rs886041279, ClinGen allele CA10603343.